The following is an entry in ClinVar:

NM_001358263.1(HK1):c.75+20312G>A

Gene: HK1 (hexokinase 1; plus strand). Cytogenetic location: 10q22.1.
Variant type: single nucleotide variant.
Coding change: c.75+20312G>A on transcript NM_001358263.1 (MANE Plus Clinical); 20312 bases into the intron after coding-DNA position 75, G replaced by A.
Molecular consequence: intron variant. On other transcripts: missense variant (1).
Genome position (GRCh38, 1-based): chr10:69,315,992, G>A. VCF-style: chr10-69315992-G-A. GRCh37 (hg19) VCF-style: chr10-71075748-G-A.
Other names: p.Gly13Asp; c.38G>A, p.Gly13Asp (NM_033496.3); c.27+15131G>A (NM_033500.2); c.168+20312G>A (NM_001322365.2); c.75+20312G>A (NM_033498.3, NM_033497.3, NM_001322364.2); short protein forms G13D.
Identifiers: ClinVar variation 3379965 (VCV003379965.1).

ClinVar aggregate classification (germline): Uncertain significance (1 of 4 stars; one submission).

gnomAD v4.1: 40 of 1,614,080 alleles (0.0025%); highest among the groups gnomAD compares: Middle Eastern, 0.049%; no homozygotes.

Submission:

Mayo Clinic Laboratories, Mayo Clinic
Classification: Uncertain significance. Last evaluated: 2023-12-06. Review status: criteria provided, single submitter. Criteria: ACMG Guidelines, 2015. Collection method: clinical testing. Allele origin: germline. Observed: 1 variant allele.
Comment: PM2_moderate

Literature cited by the submitters: PubMed 37296469.